The following is an entry in ClinVar:

NM_001035.3(RYR2):c.792_800del (p.Gly265_Val267del)

Gene: RYR2 (ryanodine receptor 2; plus strand). Cytogenetic location: 1q43.
Variant type: Deletion.
Coding change: c.792_800del on transcript NM_001035.3 (MANE Select); coding-DNA positions 792 to 800, 9 bases deleted (TGGCGCTGT; older notation c.792_800delTGGCGCTGT).
Protein change: p.Gly265_Val267del.
Molecular consequence: inframe deletion.
Genome position (GRCh38, 1-based): chr1:237,417,067-237,417,075, TGGCGCTGT deleted. VCF-style (leftmost placement, unchanged base first): chr1-237417066-GTGGCGCTGT-G. GRCh37 (hg19) VCF-style: chr1-237580366-GTGGCGCTGT-G.
Identifiers: ClinVar variation 1428860 (VCV001428860.7), dbSNP rs1305758482, ClinGen allele CA733286112.

ClinVar aggregate classification (germline): Uncertain significance (1 of 4 stars; one submission).

Conditions:
Catecholaminergic polymorphic ventricular tachycardia 1. Also called: VENTRICULAR TACHYCARDIA, CATECHOLAMINERGIC POLYMORPHIC, 1, WITH OR WITHOUT ATRIAL DYSFUNCTION AND/OR DILATED CARDIOMYOPATHY; RYR2-Related Catecholaminergic Polymorphic Ventricular Tachycardia; VENTRICULAR TACHYCARDIA, STRESS-INDUCED POLYMORPHIC 1. Identifiers: Orphanet 3286, MedGen C1631597, MONDO:0011484, OMIM 604772.

Allele frequency attached by ClinVar (database versions not stated): TOPMed 0.00002.

Submission:

Labcorp Genetics (formerly Invitae), Labcorp
Classification: Uncertain significance for Catecholaminergic polymorphic ventricular tachycardia 1. Last evaluated: 2021-10-24. Review status: criteria provided, single submitter. Criteria: Invitae Variant Classification Sherloc (09022015). Collection method: clinical testing. Allele origin: germline.
Comment: Algorithms developed to predict the effect of sequence changes on RNA splicing suggest that this variant may create or strengthen a splice site. In summary, the available evidence is currently insufficient to determine the role of this variant in disease. Therefore, it has been classified as a Variant of Uncertain Significance. This variant has not been reported in the literature in individuals affected with RYR2-related conditions. This variant, c.792_800del, results in the deletion of 3 amino acid(s) of the RYR2 protein (p.Gly265_Val267del), but otherwise preserves the integrity of the reading frame. This variant is not present in population databases (ExAC no frequency).